The following is an entry in ClinVar:

ClinVar aggregate classification (germline): Uncertain significance. Review status: criteria provided, multiple submitters, no conflicts (2 of 4 stars). 4 submissions from 4 submitters: Uncertain significance (4). Last evaluated 2025-12-27.

Conditions:
SLC10A2-related disorder. Also called: SLC10A2-related condition.

Allele frequency attached by ClinVar (database versions not stated): TOPMed 0.00003; gnomAD exomes 0.00004; ExAC 0.00006; gnomAD 0.00009 and 0.00010.
gnomAD v4.1: 70 of 1,614,050 alleles (0.0043%); highest among the groups gnomAD compares: Non-Finnish European, 0.0054%; no homozygotes.

Submissions (4):

PreventionGenetics, part of Exact Sciences
Classification: Uncertain significance for SLC10A2-related condition. Last evaluated: 2025-12-27. Review status: criteria provided, single submitter. Criteria: ACMG Guidelines, 2015. Collection method: clinical testing. Allele origin: germline.
Comment: The SLC10A2 c.322G>A variant is predicted to result in the amino acid substitution p.Gly108Arg. To our knowledge, this variant has not been reported in the literature. This variant is reported in 0.014% of alleles in individuals of European (Non-Finnish) descent in gnomAD. At this time, the clinical significance of this variant is uncertain due to the absence of conclusive functional and genetic evidence.

Labcorp Genetics (formerly Invitae), Labcorp
Classification: Uncertain significance. Last evaluated: 2025-10-14. Review status: criteria provided, single submitter. Criteria: Invitae Variant Classification Sherloc (09022015). Collection method: clinical testing. Allele origin: germline.
Comment: This sequence change replaces glycine, which is neutral and non-polar, with arginine, which is basic and polar, at codon 108 of the SLC10A2 protein (p.Gly108Arg). This variant is present in population databases (rs201963120, gnomAD 0.01%). This variant has not been reported in the literature in individuals affected with SLC10A2-related conditions. ClinVar contains an entry for this variant (Variation ID: 594516). Invitae Evidence Modeling of protein sequence and biophysical properties (such as structural, functional, and spatial information, amino acid conservation, physicochemical variation, residue mobility, and thermodynamic stability) indicates that this missense variant is expected to disrupt SLC10A2 protein function with a positive predictive value of 80%. In summary, the available evidence is currently insufficient to determine the role of this variant in disease. Therefore, it has been classified as a Variant of Uncertain Significance.

Blueprint Genetics
Classification: Uncertain significance. Last evaluated: 2024-10-14. Review status: criteria provided, single submitter. Criteria: ACMG Guidelines, 2015. Collection method: clinical testing. Allele origin: germline.

Eurofins Ntd Llc (ga)
Classification: Uncertain significance. Last evaluated: 2018-09-17. Review status: criteria provided, single submitter. Criteria: EGL ClinVar v180209 classification definitions. Collection method: clinical testing. Allele origin: germline. Observed: 2 variant alleles, 2 heterozygotes.

NM_000452.3(SLC10A2):c.322G>A (p.Gly108Arg)

Gene: SLC10A2 (solute carrier family 10 member 2; minus strand). Cytogenetic location: 13q33.1.
Variant type: single nucleotide variant.
Coding change: c.322G>A on transcript NM_000452.3 (MANE Select); coding-DNA position 322, G replaced by A.
Protein change: p.Gly108Arg; replaces glycine 108 with arginine.
Molecular consequence: missense variant.
Genome position (GRCh38, 1-based): chr13:103,065,928, C>T on the plus strand (G>A on the coding strand, the complement: SLC10A2 is on the minus strand). VCF-style: chr13-103065928-C-T. GRCh37 (hg19) VCF-style: chr13-103718278-C-T.
Other names: c.322G>A (NM_000452.2); short protein forms G108R.
Identifiers: ClinVar variation 594516 (VCV000594516.11), dbSNP rs201963120, ClinGen allele CA7042281.